The following is an entry in ClinVar:

NM_004114.5(FGF13):c.568C>G (p.Pro190Ala)

Gene: FGF13 (fibroblast growth factor 13; minus strand). Cytogenetic location: Xq26.3.
Variant type: single nucleotide variant.
Coding change: c.568C>G on transcript NM_004114.5 (MANE Select); coding-DNA position 568, C replaced by G.
Protein change: p.Pro190Ala; replaces proline 190 with alanine.
Molecular consequence: missense variant.
Genome position (GRCh38, 1-based): chrX:138,635,490, G>C on the plus strand (C>G on the coding strand, the complement: FGF13 is on the minus strand). VCF-style: chrX-138635490-G-C. GRCh37 (hg19) VCF-style: chrX-137717651-G-C.
Other names: c.430C>G, p.Pro144Ala (NM_001139498.2); c.598C>G, p.Pro200Ala (NM_001139500.2); c.511C>G, p.Pro171Ala (NM_001139501.2, NM_001139502.2); c.409C>G, p.Pro137Ala (NM_033642.3); short protein forms P190A, P137A, P144A, P171A, P200A.
Identifiers: ClinVar variation 5007508 (VCV005007508.2).

ClinVar aggregate classification (germline): Uncertain significance (1 of 4 stars; one submission).

Conditions:
Intellectual developmental disorder, X-linked 110 (XLID110). Identifiers: MedGen C5774180, MONDO:0859086, OMIM 301095.
Developmental and epileptic encephalopathy, 90. Identifiers: MedGen C5542345, MONDO:0025353, OMIM 301058.

gnomAD v4.1: 2 of 1,211,531 alleles (0.00017%); highest among the groups gnomAD compares: East Asian, 0.0059%; no homozygotes.

Submission:

Juno Genomics, Hangzhou Juno Genomics, Inc
Classification: Uncertain significance for Intellectual developmental disorder, X-linked 110; Developmental and epileptic encephalopathy, 90. Review status: criteria provided, single submitter. Criteria: ACMG Guidelines, 2015. Collection method: clinical testing. Allele origin: germline.
Comment: Absent from controls (or at extremely low frequency if recessive) in Genome Aggregation Database.